The following is an entry in ClinVar:

ClinVar aggregate classification (germline): Uncertain significance (1 of 4 stars; one submission).

Conditions:
Heterotopia, periventricular, X-linked dominant (PVNH1). Also called: PERIVENTRICULAR NODULAR HETEROTOPIA 1; PERIVENTRICULAR NODULAR HETEROTOPIA 4; HETEROTOPIA, PERIVENTRICULAR, 1; X-linked periventricular heterotopia. Identifiers: Orphanet 2149, Orphanet 82004, MedGen C1848213, MONDO:0010233, OMIM 300049.
Melnick-Needles syndrome (MNS). Also called: Melnick-Needles Syndrome (FLNA-MNS); MELNICK-NEEDLES OSTEODYSPLASTY; OSTEODYSPLASTY OF MELNICK AND NEEDLES. Identifiers: Orphanet 2484, MedGen C0025237, MONDO:0010650, OMIM 309350.
Oto-palato-digital syndrome, type II (OPD2). Also called: Otopalatodigital Syndrome Type 2 (FLNA-OPD2); FACIOPALATOOSSEOUS SYNDROME; OPD II SYNDROME; Otopalatodigital Syndrome, Type II. Identifiers: Orphanet 669, Orphanet 90652, MedGen C1844696, MONDO:0010571, OMIM 304120.
Frontometaphyseal dysplasia (FMD1). Identifiers: Orphanet 1826, MedGen C0265293, MONDO:0015942.

Allele frequency attached by ClinVar (database versions not stated): TOPMed 0.00001.

Submission:

Labcorp Genetics (formerly Invitae), Labcorp
Classification: Uncertain significance for Oto-palato-digital syndrome, type II; Heterotopia, periventricular, X-linked dominant; Frontometaphyseal dysplasia; Melnick-Needles syndrome. Last evaluated: 2022-02-19. Review status: criteria provided, single submitter. Criteria: Invitae Variant Classification Sherloc (09022015). Collection method: clinical testing. Allele origin: germline.
Comment: Advanced modeling of protein sequence and biophysical properties (such as structural, functional, and spatial information, amino acid conservation, physicochemical variation, residue mobility, and thermodynamic stability) performed at Invitae indicates that this missense variant is not expected to disrupt FLNA protein function. This variant has not been reported in the literature in individuals affected with FLNA-related conditions. This variant is not present in population databases (gnomAD no frequency). This sequence change replaces glycine, which is neutral and non-polar, with serine, which is neutral and polar, at codon 1623 of the FLNA protein (p.Gly1623Ser). In summary, the available evidence is currently insufficient to determine the role of this variant in disease. Therefore, it has been classified as a Variant of Uncertain Significance.

NM_001110556.2(FLNA):c.4867G>A (p.Gly1623Ser)

Gene: FLNA (filamin A; minus strand). Cytogenetic location: Xq28.
Variant type: single nucleotide variant.
Coding change: c.4867G>A on transcript NM_001110556.2 (MANE Select); coding-DNA position 4867, G replaced by A.
Protein change: p.Gly1623Ser; replaces glycine 1623 with serine.
Molecular consequence: missense variant.
Genome position (GRCh38, 1-based): chrX:154,357,512, C>T on the plus strand (G>A on the coding strand, the complement: FLNA is on the minus strand). VCF-style: chrX-154357512-C-T. GRCh37 (hg19) VCF-style: chrX-153585880-C-T.
Other names: c.4867G>A, p.Gly1623Ser (NM_001456.4); short protein forms G1623S.
Identifiers: ClinVar variation 1939891 (VCV001939891.5), dbSNP rs2067672158, ClinGen allele CA415213882.
Genomic context (GRCh38, chrX:154,357,512, plus strand): 5'-TGGCGTCCCCGGTGGGCACGGCACGCACGCGGTACGGGGAGAAGGGGATCTCGTCACCAC[C>T]GTACTTGATGAGGATGGTGTAGCGACCTGTCACGTCTGGCACGTAGGCCACTGTATACGT-3'
Protein context (NP_001104026.1, residues 1613-1633): TGRYTILIKY[Gly1623Ser]GDEIPFSPYR